The following is an entry in ClinVar:

ClinVar aggregate classification (germline): Uncertain significance (1 of 4 stars; one submission).

Submission:

Labcorp Genetics (formerly Invitae), Labcorp
Classification: Uncertain significance. Last evaluated: 2024-10-08. Review status: criteria provided, single submitter. Criteria: Invitae Variant Classification Sherloc (09022015). Collection method: clinical testing. Allele origin: germline.
Comment: This sequence change creates a premature translational stop signal (p.Val516Alafs*27) in the SLC34A1 gene. While this is not anticipated to result in nonsense mediated decay, it is expected to disrupt the last 124 amino acid(s) of the SLC34A1 protein. This variant is present in population databases (no rsID available, gnomAD 0.0009%). This variant has not been reported in the literature in individuals affected with SLC34A1-related conditions. This variant disrupts a region of the SLC34A1 protein in which other variant(s) (p.Trp576Arg) have been observed in individuals with SLC34A1-related conditions (internal data). This suggests that this is a clinically significant region of the protein, and that variants that disrupt it are likely to be disease-causing. In summary, the available evidence is currently insufficient to determine the role of this variant in disease. Therefore, it has been classified as a Variant of Uncertain Significance.

NM_003052.5(SLC34A1):c.1547del (p.Val516fs)

Gene: SLC34A1 (solute carrier family 34 member 1; plus strand). Cytogenetic location: 5q35.3.
Variant type: Deletion.
Coding change: c.1547del on transcript NM_003052.5 (MANE Select); coding-DNA position 1547, one base deleted (T; older notation c.1547delT).
Protein change: p.Val516fs; shifts the reading frame from valine 516.
Molecular consequence: frameshift variant.
Genome position (GRCh38, 1-based): chr5:177,397,913, T deleted. VCF-style (leftmost placement, unchanged base first): chr5-177397912-GT-G. GRCh37 (hg19) VCF-style: chr5-176824913-GT-G.
Other names: short protein forms V516fs.
Identifiers: ClinVar variation 3699984 (VCV003699984.2).